The following is an entry in ClinVar:

ClinVar aggregate classification (germline): Uncertain significance (1 of 4 stars; one submission).

Conditions:
Diamond-Blackfan anemia 21. Identifiers: MedGen C5774230, MONDO:0031071, OMIM 620072.

gnomAD v4.1: 7 of 1,355,848 alleles (0.00052%); highest among the groups gnomAD compares: Admixed American, 0.0081%; no homozygotes.

Submission:

St. Jude Molecular Pathology, St. Jude Children's Research Hospital
Classification: Uncertain significance for Diamond-Blackfan anemia 21. Last evaluated: 2023-11-28. Review status: criteria provided, single submitter. Criteria: St. Jude Assertion Criteria 2020. Collection method: clinical testing. Allele origin: germline.
Comment: The HEATR3 c.239C>T (p.Ala80Val) missense change is absent in gnomAD v2.1.1. The in silico tool REVEL predicts a benign effect on protein function, but to our knowledge this prediction has not been confirmed by functional studies. To our knowledge, this variant has not been reported in individuals with HEATR3-associated Diamond-Blackfan anemia. In summary, the evidence currently available is insufficient to determine the clinical significance of this variant. It has therefore been classified as of uncertain significance.

NM_182922.4(HEATR3):c.239C>T (p.Ala80Val)

Genes: HEATR3 (HEAT repeat containing 3; plus strand), LOC130058980 (ATAC-STARR-seq lymphoblastoid silent region 7469; plus strand). Cytogenetic location: 16q12.1.
Variant type: single nucleotide variant.
Coding change: c.239C>T on transcript NM_182922.4 (MANE Select); coding-DNA position 239, C replaced by T.
Protein change: p.Ala80Val; replaces alanine 80 with valine.
Molecular consequence: missense variant. On other transcripts: 5 prime UTR variant (3), non-coding transcript variant (2).
Genome position (GRCh38, 1-based): chr16:50,066,467, C>T. VCF-style: chr16-50066467-C-T. GRCh37 (hg19) VCF-style: chr16-50100378-C-T.
Other names: c.-454C>T (NM_001329729.2); c.-428C>T (NM_001329730.2); c.-345C>T (NM_001329731.2); short protein forms A80V.
Identifiers: ClinVar variation 3377775 (VCV003377775.1).